The following is an entry in ClinVar:

ClinVar aggregate classification (germline): Conflicting classifications of pathogenicity. Review status: criteria provided, conflicting classifications (1 of 4 stars). 2 submissions from 2 submitters: Uncertain significance (1); Likely benign (1). Last evaluated 2023-03-23.

Conditions:
Hereditary cancer-predisposing syndrome. Also called: Neoplastic Syndromes, Hereditary; Tumor predisposition; Hereditary Cancer Syndrome; Hereditary neoplastic syndrome. Identifiers: Orphanet 140162, MedGen C0027672, MeSH D009386, MONDO:0015356.

Submissions (2):

University of Washington Department of Laboratory Medicine, University of Washington
Classification: Likely benign for Hereditary cancer-predisposing syndrome. Last evaluated: 2023-03-23. Review status: criteria provided, single submitter. Criteria: Dines et al. (Genet Med. 2020). Collection method: curation. Allele origin: germline.
Comment: Missense variant in a coldspot region where missense variants are very unlikely to be pathogenic (PMID:31911673).

BRCA2 exon 11 coldspot. Reclassification based on statistical prior probability.

Ambry Genetics
Classification: Uncertain significance for Hereditary cancer-predisposing syndrome. Last evaluated: 2021-11-12. Review status: criteria provided, single submitter. Criteria: Ambry Variant Classification Scheme 2023. Collection method: clinical testing. Allele origin: germline.
Comment: The p.E1187A variant (also known as c.3560A>C), located in coding exon 10 of the BRCA2 gene, results from an A to C substitution at nucleotide position 3560. The glutamic acid at codon 1187 is replaced by alanine, an amino acid with dissimilar properties. This amino acid position is conserved. In addition, this alteration is predicted to be tolerated by in silico analysis. Since supporting evidence is limited at this time, the clinical significance of this alteration remains unclear.

NM_000059.4(BRCA2):c.3560A>C (p.Glu1187Ala)

Gene: BRCA2 (BRCA2 DNA repair associated; plus strand). Cytogenetic location: 13q13.1.
Variant type: single nucleotide variant.
Coding change: c.3560A>C on transcript NM_000059.4 (MANE Select); coding-DNA position 3560, A replaced by C.
Protein change: p.Glu1187Ala; replaces glutamic acid 1187 with alanine.
Molecular consequence: missense variant.
Genome position (GRCh38, 1-based): chr13:32,337,915, A>C. VCF-style: chr13-32337915-A-C. GRCh37 (hg19) VCF-style: chr13-32912052-A-C.
Other names: c.3560A>C, p.Glu1187Ala (NM_001406719.1, NM_001406720.1); short protein forms E1187A.
Identifiers: ClinVar variation 1732699 (VCV001732699.4), dbSNP rs2137497868, ClinGen allele CA387777273.
Genomic context (GRCh38, chr13:32,337,915, plus strand): 5'-TAATGAATGCCCCATCGATTGGTCAGGTAGACAGCAGCAAGCAATTTGAAGGTACAGTTG[A>C]AATTAAACGGAAGTTTGCTGGCCTGTTGAAAAATGACTGTAACAAAAGTGCTTCTGGTTA-3'
Protein context (NP_000050.3, residues 1177-1197): DSSKQFEGTV[Glu1187Ala]IKRKFAGLLK